The following is an entry in ClinVar:

NM_058216.3(RAD51C):c.571+1G>C

Gene: RAD51C (RAD51 paralog C; plus strand). Cytogenetic location: 17q22.
Variant type: single nucleotide variant.
Coding change: c.571+1G>C on transcript NM_058216.3 (MANE Select); the canonical splice donor site of the intron after coding-DNA position 571, G replaced by C.
Molecular consequence: splice donor variant.
Genome position (GRCh38, 1-based): chr17:58,696,860, G>C. VCF-style: chr17-58696860-G-C. GRCh37 (hg19) VCF-style: chr17-56774221-G-C.
Other names: c.571+1G>C (NM_058216.1).
Identifiers: ClinVar variation 3698184 (VCV003698184.3).
Genomic context (GRCh38, chr17:58,696,860, plus strand): 5'-ACCTTGCTACTGCCTGCATTCAGCACCTTCAGCTTATAGCAGAAAAACACAAGGGAGAGG[G>C]TAAGTTAGTAAATGATCTTCTTTTTTTCTGTATTAATAAAAGTAATTTGCATTTGTGCCC-3'

ClinVar aggregate classification (germline): Likely pathogenic. Review status: criteria provided, multiple submitters, no conflicts (2 of 4 stars). 2 submissions from 2 submitters: Likely pathogenic (2). Last evaluated 2025-09-16.

Conditions:
Hereditary cancer-predisposing syndrome. Also called: Tumor predisposition; Hereditary neoplastic syndrome; Hereditary Cancer Syndrome; Neoplastic Syndromes, Hereditary. Identifiers: Orphanet 140162, MedGen C0027672, MeSH D009386, MONDO:0015356.
Fanconi anemia complementation group O. Also called: RAD51C-Related Fanconi Anemia. Identifiers: Orphanet 84, MedGen C3150653, MONDO:0013248, OMIM 613390.

Submissions (2):

Ambry Genetics
Classification: Likely pathogenic for Hereditary cancer-predisposing syndrome. Last evaluated: 2025-09-16. Review status: criteria provided, single submitter. Criteria: Ambry Variant Classification Scheme 2023. Collection method: clinical testing. Allele origin: germline.
Comment: The c.571+1G>C intronic variant results from a G to C substitution one nucleotide after coding exon 3 of the RAD51C gene. This nucleotide position is well conserved in available vertebrate species. In silico splice site analysis predicts that this alteration will weaken the native splice donor site; however, direct evidence is insufficient at this time (Ambry internal data). This variant is considered to be rare based on population cohorts in the Genome Aggregation Database (gnomAD). Alterations that disrupt the canonical splice site are expected to cause aberrant splicing, resulting in an abnormal protein or a transcript that is subject to nonsense-mediated mRNA decay. As such, this alteration is classified as likely pathogenic.

Labcorp Genetics (formerly Invitae), Labcorp
Classification: Likely pathogenic for Fanconi anemia complementation group O. Last evaluated: 2024-07-30. Review status: criteria provided, single submitter. Criteria: Invitae Variant Classification Sherloc (09022015). Collection method: clinical testing. Allele origin: germline.
Comment: This sequence change affects a donor splice site in intron 3 of the RAD51C gene. It is expected to disrupt RNA splicing. Variants that disrupt the donor or acceptor splice site typically lead to a loss of protein function (PMID: 16199547), and loss-of-function variants in RAD51C are known to be pathogenic (PMID: 20400964, 21990120, 24800917, 29278735). This variant is not present in population databases (gnomAD no frequency). Disruption of this splice site has been observed in individual(s) with breast cancer (PMID: 32809180). Algorithms developed to predict the effect of sequence changes on RNA splicing suggest that this variant may disrupt the consensus splice site. In summary, the currently available evidence indicates that the variant is pathogenic, but additional data are needed to prove that conclusively. Therefore, this variant has been classified as Likely Pathogenic.

Literature cited by the submitters: PubMed 16199547 (cited by Labcorp Genetics (formerly Invitae), Labcorp); PubMed 20400964 (cited by Labcorp Genetics (formerly Invitae), Labcorp); PubMed 21990120 (cited by Labcorp Genetics (formerly Invitae), Labcorp); PubMed 24800917 (cited by Labcorp Genetics (formerly Invitae), Labcorp); PubMed 29278735 (cited by Labcorp Genetics (formerly Invitae), Labcorp); PubMed 32809180 (cited by Labcorp Genetics (formerly Invitae), Labcorp).